The following is an entry in ClinVar:

NM_001374828.1(ARID1B):c.2809T>C (p.Tyr937His)

Gene: ARID1B (AT-rich interaction domain 1B; plus strand). Cytogenetic location: 6q25.3.
Variant type: single nucleotide variant.
Coding change: c.2809T>C on transcript NM_001374828.1 (MANE Select); coding-DNA position 2809, T replaced by C.
Protein change: p.Tyr937His; replaces tyrosine 937 with histidine.
Molecular consequence: missense variant.
Genome position (GRCh38, 1-based): chr6:157,148,671, T>C. VCF-style: chr6-157148671-T-C. GRCh37 (hg19) VCF-style: chr6-157469805-T-C.
Other names: c.310T>C, p.Tyr104His (NM_001363725.2); c.2848T>C, p.Tyr950His (NM_001371656.1, NM_001374820.1); c.2809T>C, p.Tyr937His (NM_017519.3); short protein forms Y937H, Y104H, Y950H.
Identifiers: ClinVar variation 3674506 (VCV003674506.2).

ClinVar aggregate classification (germline): Uncertain significance (1 of 4 stars; one submission).

gnomAD v4.1: 1 of 1,611,028 alleles (0.000062%); highest among the groups gnomAD compares: African/African-American, 0.0013%; no homozygotes.

Submission:

Labcorp Genetics (formerly Invitae), Labcorp
Classification: Uncertain significance. Last evaluated: 2024-12-23. Review status: criteria provided, single submitter. Criteria: Invitae Variant Classification Sherloc (09022015). Collection method: clinical testing. Allele origin: germline.
Comment: This sequence change replaces tyrosine, which is neutral and polar, with histidine, which is basic and polar, at codon 867 of the ARID1B protein (p.Tyr867His). This variant is not present in population databases (gnomAD no frequency). This variant has not been reported in the literature in individuals affected with ARID1B-related conditions. Invitae Evidence Modeling of protein sequence and biophysical properties (such as structural, functional, and spatial information, amino acid conservation, physicochemical variation, residue mobility, and thermodynamic stability) indicates that this missense variant is not expected to disrupt ARID1B protein function with a negative predictive value of 95%. In summary, the available evidence is currently insufficient to determine the role of this variant in disease. Therefore, it has been classified as a Variant of Uncertain Significance.